The following is an entry in ClinVar:

NM_001037.5(SCN1B):c.352G>A (p.Asp118Asn)

Gene: SCN1B (sodium voltage-gated channel beta subunit 1; plus strand). Cytogenetic location: 19q13.11.
Variant type: single nucleotide variant.
Coding change: c.352G>A on transcript NM_001037.5 (MANE Select); coding-DNA position 352, G replaced by A.
Protein change: p.Asp118Asn; replaces aspartic acid 118 with asparagine.
Molecular consequence: missense variant.
Genome position (GRCh38, 1-based): chr19:35,033,643, G>A. VCF-style: chr19-35033643-G-A. GRCh37 (hg19) VCF-style: chr19-35524547-G-A.
Other names: c.352G>A (NM_001037.4); c.253G>A, p.Asp85Asn (NM_001321605.2); c.352G>A, p.Asp118Asn (NM_199037.5); short protein forms D85N, D118N.
Identifiers: ClinVar variation 1483191 (VCV001483191.9), dbSNP rs761925369, ClinGen allele CA405328844.

ClinVar aggregate classification (germline): Uncertain significance. Review status: criteria provided, multiple submitters, no conflicts (2 of 4 stars). 2 submissions from 2 submitters: Uncertain significance (2). Last evaluated 2025-06-17.

Conditions:
Brugada syndrome 5 (BRGDA5). Identifiers: Orphanet 130, Orphanet 871, MedGen C2748541, MONDO:0013015, OMIM 612838.

gnomAD v4.1: 9 of 1,614,066 alleles (0.00056%); highest among the groups gnomAD compares: East Asian, 0.0045%; no homozygotes.

Submissions (2):

Labcorp Genetics (formerly Invitae), Labcorp
Classification: Uncertain significance for Brugada syndrome 5. Last evaluated: 2025-06-17. Review status: criteria provided, single submitter. Criteria: Invitae Variant Classification Sherloc (09022015). Collection method: clinical testing. Allele origin: germline.
Comment: This sequence change replaces aspartic acid, which is acidic and polar, with asparagine, which is neutral and polar, at codon 118 of the SCN1B protein (p.Asp118Asn). This variant is present in population databases (no rsID available, gnomAD 0.0009%). This missense change has been observed in individual(s) with early-onset epilepsy (PMID: 32613771). ClinVar contains an entry for this variant (Variation ID: 1483191). An algorithm developed to predict the effect of missense changes on protein structure and function (PolyPhen-2) suggests that this variant is likely to be disruptive. In summary, the available evidence is currently insufficient to determine the role of this variant in disease. Therefore, it has been classified as a Variant of Uncertain Significance.

GeneDx
Classification: Uncertain significance. Last evaluated: 2024-07-03. Review status: criteria provided, single submitter. Criteria: GeneDx Variant Classification Process June 2021. Collection method: clinical testing. Allele origin: germline. Affected: yes.
Comment: Identified in a patient with early-onset epilepsy and severe developmental delay (PMID: 32613771); Not observed at significant frequency in large population cohorts (gnomAD); In silico analysis indicates that this missense variant does not alter protein structure/function; This variant is associated with the following publications: (PMID: 32613771)

Literature cited by the submitters: PubMed 32613771 (cited by Labcorp Genetics (formerly Invitae), Labcorp).